The following is an entry in ClinVar:

NM_001105206.3(LAMA4):c.900C>A (p.Ser300Arg)

Gene: LAMA4 (laminin subunit alpha 4; minus strand). Cytogenetic location: 6q21.
Variant type: single nucleotide variant.
Coding change: c.900C>A on transcript NM_001105206.3 (MANE Select); coding-DNA position 900, C replaced by A.
Protein change: p.Ser300Arg; replaces serine 300 with arginine.
Molecular consequence: missense variant.
Genome position (GRCh38, 1-based): chr6:112,187,516, G>T on the plus strand (C>A on the coding strand, the complement: LAMA4 is on the minus strand). VCF-style: chr6-112187516-G-T. GRCh37 (hg19) VCF-style: chr6-112508718-G-T.
Other names: c.879C>A, p.Ser293Arg (NM_001105207.3, NM_002290.5); short protein forms S293R, S300R.
Identifiers: ClinVar variation 1764678 (VCV001764678.2), dbSNP rs1306008369, ClinGen allele CA365376067.

ClinVar aggregate classification (germline): Uncertain significance (1 of 4 stars; one submission).

Conditions:
Cardiovascular phenotype. Identifiers: MedGen CN230736.

gnomAD v4.1: 20 of 1,614,094 alleles (0.0012%); highest among the groups gnomAD compares: Non-Finnish European, 0.0017%; no homozygotes.

Submission:

Ambry Genetics
Classification: Uncertain significance for Cardiovascular phenotype. Last evaluated: 2022-08-27. Review status: criteria provided, single submitter. Criteria: Ambry Variant Classification Scheme 2023. Collection method: clinical testing. Allele origin: germline.
Comment: The p.S293R variant (also known as c.879C>A), located in coding exon 7 of the LAMA4 gene, results from a C to A substitution at nucleotide position 879. The serine at codon 293 is replaced by arginine, an amino acid with dissimilar properties. This amino acid position is conserved. In addition, this alteration is predicted to be tolerated by in silico analysis. Since supporting evidence is limited at this time, the clinical significance of this alteration remains unclear.